The following is an entry in ClinVar:

ClinVar aggregate classification (germline): Pathogenic (1 of 4 stars; one submission).

Conditions:
Atransferrinemia. Also called: Familial hypotransferrinemia. Identifiers: Orphanet 1195, MedGen C0521802, MONDO:0008846, OMIM 209300, HP:0012239.

Submission:

Myriad Genetics, Inc.
Classification: Pathogenic for Atransferrinemia. Last evaluated: 2026-05-03. Review status: criteria provided, single submitter. Criteria: Myriad Autosomal Dominant, Autosomal Recessive and X-Linked Classification Criteria (2023). Collection method: clinical testing. Allele origin: unknown.
Comment: NM_001063.3(TF):c.904delC(Q302Nfs*21) is expected to be pathogenic in the context of atransferrinemia. This variant is predicted to lead to an abnormal or absent protein product due to the creation of a premature termination codon in TF, a gene where loss-of-function variants are known to be pathogenic. Please note: this variant was assessed in the context of healthy population screening.

NM_001063.4(TF):c.904del (p.Gln302fs)

Gene: TF (transferrin; plus strand). Cytogenetic location: 3q22.1.
Variant type: Deletion.
Coding change: c.904del on transcript NM_001063.4 (MANE Select); coding-DNA position 904, one base deleted (C; older notation c.904delC).
Protein change: p.Gln302fs; shifts the reading frame from glutamine 302.
Molecular consequence: frameshift variant.
Genome position (GRCh38, 1-based): chr3:133,757,802, C deleted; the last of 2 consecutive C bases (chr3:133,757,801-133,757,802); deleting either gives the same sequence. VCF-style (leftmost placement, unchanged base first): chr3-133757800-TC-T. GRCh37 (hg19) VCF-style: chr3-133476644-TC-T.
Other names: c.772del, p.Gln258fs (NM_001354703.2); c.523del, p.Gln175fs (NM_001354704.2); short protein forms Q175fs, Q258fs, Q302fs.
Identifiers: ClinVar variation 5015860 (VCV005015860.1).